The following is an entry in ClinVar:

ClinVar aggregate classification (germline): Uncertain significance. Review status: criteria provided, multiple submitters, no conflicts (2 of 4 stars). 2 submissions from 2 submitters: Uncertain significance (2). Last evaluated 2025-10-14.

Conditions:
Inborn genetic diseases. Identifiers: MedGen C0950123, MeSH D030342.

gnomAD v4.1: 49 of 1,613,852 alleles (0.003%); highest among the groups gnomAD compares: Non-Finnish European, 0.0041%; no homozygotes.

Submissions (2):

Ambry Genetics
Classification: Uncertain significance for Inborn genetic diseases. Last evaluated: 2025-10-14. Review status: criteria provided, single submitter. Criteria: Ambry Variant Classification Scheme 2023. Collection method: clinical testing. Allele origin: germline.

Labcorp Genetics (formerly Invitae), Labcorp
Classification: Uncertain significance. Last evaluated: 2025-08-25. Review status: criteria provided, single submitter. Criteria: Invitae Variant Classification Sherloc (09022015). Collection method: clinical testing. Allele origin: germline.
Comment: This sequence change replaces alanine, which is neutral and non-polar, with threonine, which is neutral and polar, at codon 173 of the TCF12 protein (p.Ala173Thr). This variant is present in population databases (rs765880419, gnomAD 0.002%). This variant has not been reported in the literature in individuals affected with TCF12-related conditions. ClinVar contains an entry for this variant (Variation ID: 3615230). An algorithm developed to predict the effect of missense changes on protein structure and function outputs the following: PolyPhen-2: "Benign". The threonine amino acid residue is found in multiple mammalian species, which suggests that this missense change does not adversely affect protein function. In summary, the available evidence is currently insufficient to determine the role of this variant in disease. Therefore, it has been classified as a Variant of Uncertain Significance.

NM_207037.2(TCF12):c.517G>A (p.Ala173Thr)

Gene: TCF12 (transcription factor 12; plus strand). Cytogenetic location: 15q21.3.
Variant type: single nucleotide variant.
Coding change: c.517G>A on transcript NM_207037.2 (MANE Select); coding-DNA position 517, G replaced by A.
Protein change: p.Ala173Thr; replaces alanine 173 with threonine.
Molecular consequence: missense variant. On other transcripts: 5 prime UTR variant (1).
Genome position (GRCh38, 1-based): chr15:57,192,284, G>A. VCF-style: chr15-57192284-G-A. GRCh37 (hg19) VCF-style: chr15-57484482-G-A.
Other names: c.517G>A (NM_207037.1); c.517G>A, p.Ala173Thr (NM_001322151.2, NM_001322152.2, NM_001322157.3 and 7 more transcripts); c.-141G>A (NM_001322154.2); c.343G>A, p.Ala115Thr (NM_001322156.2, NM_001322158.2); c.553G>A, p.Ala185Thr (NM_001322164.2); short protein forms A115T, A173T, A185T.
Identifiers: ClinVar variation 3615230 (VCV003615230.3).
Genomic context (GRCh38, chr15:57,192,284, plus strand): 5'-GGGACAGCATACTATTCATTCTCTGCTACAAGTTCCAGGAGGAGACCACTCCATGACTCT[G>A]CAGCGCTTGGTGAGTGTATCACACAACAAATCCCATCCCACATATGTTGTTGTTGTTTTT-3'
Protein context (NP_996920.1, residues 163-183): SSRRRPLHDS[Ala173Thr]ALDPLQAKKV